The following is an entry in ClinVar:

NM_030624.3(KLHL15):c.1809C>G (p.Cys603Trp)

Gene: KLHL15 (kelch like family member 15; minus strand). Cytogenetic location: Xp22.11.
Variant type: single nucleotide variant.
Coding change: c.1809C>G on transcript NM_030624.3 (MANE Select); coding-DNA position 1809, C replaced by G.
Protein change: p.Cys603Trp; replaces cysteine 603 with tryptophan.
Molecular consequence: missense variant.
Genome position (GRCh38, 1-based): chrX:23,987,927, G>C on the plus strand (C>G on the coding strand, the complement: KLHL15 is on the minus strand). VCF-style: chrX-23987927-G-C. GRCh37 (hg19) VCF-style: chrX-24006044-G-C.
Other names: short protein forms C603W.
Identifiers: ClinVar variation 2604669 (VCV002604669.3), dbSNP rs749182065, ClinGen allele CA412598100.

ClinVar aggregate classification (germline): Uncertain significance. Review status: criteria provided, multiple submitters, no conflicts (2 of 4 stars). 2 submissions from 2 submitters: Uncertain significance (2). Last evaluated 2024-08-01.

gnomAD v4.1: 1 of 1,190,334 alleles (0.000084%); highest among the groups gnomAD compares: East Asian, 0.003%; no homozygotes.

Submissions (2):

GeneDx
Classification: Uncertain significance. Last evaluated: 2024-08-01. Review status: criteria provided, single submitter. Criteria: GeneDx Variant Classification Process June 2021. Collection method: clinical testing. Allele origin: germline. Affected: yes.
Comment: Not observed at significant frequency in large population cohorts (gnomAD); In silico analysis indicates that this missense variant does not alter protein structure/function; Has not been previously published as pathogenic or benign to our knowledge

Ambry Genetics
Classification: Uncertain significance. Last evaluated: 2023-06-21. Review status: criteria provided, single submitter. Criteria: Ambry Variant Classification Scheme 2023. Collection method: clinical testing. Allele origin: germline.